The following is an entry in ClinVar:

NM_004360.5(CDH1):c.1351A>T (p.Ile451Phe)

Gene: CDH1 (cadherin 1; plus strand). Cytogenetic location: 16q22.1.
Variant type: single nucleotide variant.
Coding change: c.1351A>T on transcript NM_004360.5 (MANE Select); coding-DNA position 1351, A replaced by T.
Protein change: p.Ile451Phe; replaces isoleucine 451 with phenylalanine.
Molecular consequence: missense variant. On other transcripts: 5 prime UTR variant (2).
Genome position (GRCh38, 1-based): chr16:68,815,545, A>T. VCF-style: chr16-68815545-A-T. GRCh37 (hg19) VCF-style: chr16-68849448-A-T.
Other names: c.1168A>T, p.Ile390Phe (NM_001317184.2); c.-198A>T (NM_001317185.2); c.-469A>T (NM_001317186.2); short protein forms I390F, I451F.
Identifiers: ClinVar variation 969286 (VCV000969286.10), dbSNP rs377416092, ClinGen allele CA396462751.

ClinVar aggregate classification (germline): Uncertain significance (1 of 4 stars; one submission).

Conditions:
Hereditary diffuse gastric adenocarcinoma (HDGC). Also called: DIFFUSE GASTRIC AND LOBULAR BREAST CANCER SYNDROME. Identifiers: Orphanet 26106, MedGen C1708349, MONDO:0007648, OMIM 137215.

Submission:

Labcorp Genetics (formerly Invitae), Labcorp
Classification: Uncertain significance for Hereditary diffuse gastric adenocarcinoma. Last evaluated: 2022-08-23. Review status: criteria provided, single submitter. Criteria: Invitae Variant Classification Sherloc (09022015). Collection method: clinical testing. Allele origin: germline.
Comment: In summary, the available evidence is currently insufficient to determine the role of this variant in disease. Therefore, it has been classified as a Variant of Uncertain Significance. Algorithms developed to predict the effect of missense changes on protein structure and function are either unavailable or do not agree on the potential impact of this missense change (SIFT: "Tolerated"; PolyPhen-2: "Possibly Damaging"; Align-GVGD: "Class C0"). ClinVar contains an entry for this variant (Variation ID: 969286). This variant has not been reported in the literature in individuals affected with CDH1-related conditions. This variant is not present in population databases (gnomAD no frequency). This sequence change replaces isoleucine, which is neutral and non-polar, with phenylalanine, which is neutral and non-polar, at codon 451 of the CDH1 protein (p.Ile451Phe).